The following is an entry in ClinVar:

NM_002519.3(NPAT):c.2009A>G (p.Asn670Ser)

Gene: NPAT (nuclear protein, coactivator of histone transcription; minus strand). Cytogenetic location: 11q22.3.
Variant type: single nucleotide variant.
Coding change: c.2009A>G on transcript NM_002519.3 (MANE Select); coding-DNA position 2009, A replaced by G.
Protein change: p.Asn670Ser; replaces asparagine 670 with serine.
Molecular consequence: missense variant.
Genome position (GRCh38, 1-based): chr11:108,172,975, T>C on the plus strand (A>G on the coding strand, the complement: NPAT is on the minus strand). VCF-style: chr11-108172975-T-C. GRCh37 (hg19) VCF-style: chr11-108043702-T-C.
Other names: c.2009A>G, p.Asn670Ser (NM_001321307.1); short protein forms N670S.
Identifiers: ClinVar variation 2453731 (VCV002453731.2), dbSNP rs1308608329, ClinGen allele CA382513871.

ClinVar aggregate classification (germline): Uncertain significance (1 of 4 stars; one submission).

Submission:

Ambry Genetics
Classification: Uncertain significance. Last evaluated: 2022-11-15. Review status: criteria provided, single submitter. Criteria: Ambry Variant Classification Scheme 2023. Collection method: clinical testing. Allele origin: germline.
Comment: The p.N670S variant (also known as c.2009A>G), located in coding exon 13 of the NPAT gene, results from an A to G substitution at nucleotide position 2009. The asparagine at codon 670 is replaced by serine, an amino acid with highly similar properties. This amino acid position is conserved. In addition, this alteration is predicted to be tolerated by in silico analysis. Since supporting evidence is limited at this time, the clinical significance of this alteration remains unclear.